The following is an entry in ClinVar:

NM_005751.5(AKAP9):c.9022G>A (p.Glu3008Lys)

Gene: AKAP9 (A-kinase anchoring protein 9; plus strand). Cytogenetic location: 7q21.2.
Variant type: single nucleotide variant.
Coding change: c.9022G>A on transcript NM_005751.5 (MANE Select); coding-DNA position 9022, G replaced by A.
Protein change: p.Glu3008Lys; replaces glutamic acid 3008 with lysine.
Molecular consequence: missense variant.
Genome position (GRCh38, 1-based): chr7:92,085,684, G>A. VCF-style: chr7-92085684-G-A. GRCh37 (hg19) VCF-style: chr7-91714998-G-A.
Other names: c.3667G>A, p.Glu1223Lys (NM_001379277.1); c.8998G>A, p.Glu3000Lys (NM_147185.3); short protein forms E1223K, E3008K, E3000K.
Identifiers: ClinVar variation 965397 (VCV000965397.15), dbSNP rs190695638, ClinGen allele CA4337632.

ClinVar aggregate classification (germline): Conflicting classifications of pathogenicity. Review status: criteria provided, conflicting classifications (1 of 4 stars). 3 submissions from 3 submitters: Uncertain significance (2); Likely benign (1). Last evaluated 2025-11-03.

Conditions:
Cardiovascular phenotype. Identifiers: MedGen CN230736.
Long QT syndrome (LQTS). Identifiers: MedGen C0023976, MeSH D008133, MONDO:0002442. Disease mechanism: loss of function. Inheritance: Various modes of inheritance.
Long QT syndrome 11 (LQT11). Identifiers: Orphanet 101016, Orphanet 768, MedGen C2678483, MONDO:0012738, OMIM 611820.

Allele frequency attached by ClinVar (database versions not stated): gnomAD 0.00002 and 0.00003; TOPMed 0.00002; 1000 Genomes Project 30x 0.00016; 1000 Genomes Project 0.00020.
gnomAD v4.1: 32 of 1,609,158 alleles (0.002%); highest among the groups gnomAD compares: Admixed American, 0.0067%; no homozygotes.

Submissions (3):

Labcorp Genetics (formerly Invitae), Labcorp
Classification: Uncertain significance for Long QT syndrome. Last evaluated: 2025-11-03. Review status: criteria provided, single submitter. Criteria: Invitae Variant Classification Sherloc (09022015). Collection method: clinical testing. Allele origin: germline.
Comment: This sequence change replaces glutamic acid, which is acidic and polar, with lysine, which is basic and polar, at codon 3008 of the AKAP9 protein (p.Glu3008Lys). This variant is present in population databases (rs190695638, gnomAD 0.009%). This variant has not been reported in the literature in individuals affected with AKAP9-related conditions. ClinVar contains an entry for this variant (Variation ID: 965397). An algorithm developed to predict the effect of missense changes on protein structure and function outputs the following: PolyPhen-2: "Benign". The lysine amino acid residue is found in multiple mammalian species, which suggests that this missense change does not adversely affect protein function. In summary, the available evidence is currently insufficient to determine the role of this variant in disease. Therefore, it has been classified as a Variant of Uncertain Significance.

Ambry Genetics
Classification: Likely benign for Cardiovascular phenotype. Last evaluated: 2025-08-07. Review status: criteria provided, single submitter. Criteria: Ambry Variant Classification Scheme 2023. Collection method: clinical testing. Allele origin: germline.

Fulgent Genetics
Classification: Uncertain significance for Long QT syndrome 11. Last evaluated: 2021-08-30. Review status: criteria provided, single submitter. Criteria: ACMG Guidelines, 2015. Collection method: clinical testing. Allele origin: unknown.